The following is an entry in ClinVar:

NM_000465.4(BARD1):c.811T>A (p.Cys271Ser)

Gene: BARD1 (BRCA1 associated RING domain 1; minus strand). Cytogenetic location: 2q35.
Variant type: single nucleotide variant.
Coding change: c.811T>A on transcript NM_000465.4 (MANE Select); coding-DNA position 811, T replaced by A.
Protein change: p.Cys271Ser; replaces cysteine 271 with serine.
Molecular consequence: missense variant. On other transcripts: non-coding transcript variant (2), intron variant (3).
Genome position (GRCh38, 1-based): chr2:214,781,063, A>T on the plus strand (T>A on the coding strand, the complement: BARD1 is on the minus strand). VCF-style: chr2-214781063-A-T. GRCh37 (hg19) VCF-style: chr2-215645787-A-T.
Other names: c.754T>A, p.Cys252Ser (NM_001282543.2); c.158+28349T>A (NM_001282548.2); c.215+15998T>A (NM_001282545.2); c.364+11234T>A (NM_001282549.2); short protein forms C252S, C271S.
Identifiers: ClinVar variation 3479730 (VCV003479730.3).

ClinVar aggregate classification (germline): Uncertain significance. Review status: criteria provided, multiple submitters, no conflicts (2 of 4 stars). 2 submissions from 2 submitters: Uncertain significance (2). Last evaluated 2024-10-12.

Conditions:
Hereditary cancer-predisposing syndrome. Also called: Tumor predisposition; Neoplastic Syndromes, Hereditary; Hereditary neoplastic syndrome; Hereditary Cancer Syndrome. Identifiers: Orphanet 140162, MedGen C0027672, MeSH D009386, MONDO:0015356.
Familial cancer of breast. Also called: Hereditary breast cancer; hereditary breast carcinoma; BREAST CANCER, FAMILIAL. Identifiers: Orphanet 227535, MedGen C0346153, MONDO:0016419, OMIM 114480. Disease mechanism: loss of function.

Submissions (2):

Ambry Genetics
Classification: Uncertain significance for Hereditary cancer-predisposing syndrome. Last evaluated: 2024-10-12. Review status: criteria provided, single submitter. Criteria: Ambry Variant Classification Scheme 2023. Collection method: clinical testing. Allele origin: germline.
Comment: The p.C271S variant (also known as c.811T>A), located in coding exon 4 of the BARD1 gene, results from a T to A substitution at nucleotide position 811. The cysteine at codon 271 is replaced by serine, an amino acid with dissimilar properties. This amino acid position is conserved. In addition, this alteration is predicted to be tolerated by in silico analysis. Based on the available evidence, the clinical significance of this variant remains unclear.

Labcorp Genetics (formerly Invitae), Labcorp
Classification: Uncertain significance for Familial cancer of breast. Last evaluated: 2024-04-29. Review status: criteria provided, single submitter. Criteria: Invitae Variant Classification Sherloc (09022015). Collection method: clinical testing. Allele origin: germline.
Comment: This sequence change replaces cysteine, which is neutral and slightly polar, with serine, which is neutral and polar, at codon 271 of the BARD1 protein (p.Cys271Ser). This variant is not present in population databases (gnomAD no frequency). This variant has not been reported in the literature in individuals affected with BARD1-related conditions. Algorithms developed to predict the effect of missense changes on protein structure and function output the following: SIFT: "Not Available"; PolyPhen-2: "Benign"; Align-GVGD: "Not Available". The serine amino acid residue is found in multiple mammalian species, which suggests that this missense change does not adversely affect protein function. In summary, the available evidence is currently insufficient to determine the role of this variant in disease. Therefore, it has been classified as a Variant of Uncertain Significance.